The following is an entry in ClinVar:

ClinVar aggregate classification (germline): Conflicting classifications of pathogenicity. Review status: criteria provided, conflicting classifications (1 of 4 stars). 4 submissions from 4 submitters: Uncertain significance (3); Likely benign (1). Last evaluated 2025-08-14.

Conditions:
Hereditary cancer-predisposing syndrome. Also called: Hereditary Cancer Syndrome; Hereditary neoplastic syndrome; Neoplastic Syndromes, Hereditary; Tumor predisposition. Identifiers: Orphanet 140162, MedGen C0027672, MeSH D009386, MONDO:0015356.
Hereditary breast ovarian cancer syndrome. Also called: Hereditary breast and ovarian cancer syndrome (HBOC); Breast and ovarian cancer; Hereditary breast and/or ovarian cancer syndrome; BRCA1- and BRCA2-Associated Hereditary Breast and Ovarian Cancer; Hereditary breast and ovarian cancer syndrome; Hereditary breast and ovarian cancer. Identifiers: Orphanet 145, MedGen C0677776, MeSH D061325, MONDO:0003582. Disease mechanism: loss of function.

Submissions (4):

Ambry Genetics
Classification: Uncertain significance for Hereditary cancer-predisposing syndrome. Last evaluated: 2025-08-14. Review status: criteria provided, single submitter. Criteria: Ambry Variant Classification Scheme 2023. Collection method: clinical testing. Allele origin: germline.
Comment: The p.N576K variant (also known as c.1728T>G), located in coding exon 9 of the BRCA2 gene, results from a T to G substitution at nucleotide position 1728. The asparagine at codon 576 is replaced by lysine, an amino acid with similar properties. This amino acid position is conserved. In addition, this alteration is predicted to be tolerated by in silico analysis. Based on the available evidence, the clinical significance of this variant remains unclear.

Color Diagnostics, LLC DBA Color Health
Classification: Uncertain significance for Hereditary cancer-predisposing syndrome. Last evaluated: 2025-07-15. Review status: criteria provided, single submitter. Criteria: ACMG Guidelines, 2015. Collection method: clinical testing. Allele origin: germline.
Comment: This missense variant replaces asparagine with lysine at codon 576 of the BRCA2 protein. Computational prediction suggests that this variant may not impact protein structure and function. To our knowledge, functional studies have not been reported for this variant. This variant has not been reported in individuals affected with BRCA2-related disorders in the literature. This variant has not been identified in the general population by the Genome Aggregation Database (gnomAD). The available evidence is insufficient to determine the role of this variant in disease conclusively. Therefore, this variant is classified as a Variant of Uncertain Significance.

University of Washington Department of Laboratory Medicine, University of Washington
Classification: Likely benign for Hereditary cancer-predisposing syndrome. Last evaluated: 2023-03-23. Review status: criteria provided, single submitter. Criteria: Dines et al. (Genet Med. 2020). Collection method: curation. Allele origin: germline.
Comment: Missense variant in a coldspot region where missense variants are very unlikely to be pathogenic (PMID:31911673).

BRCA2 exon 10 coldspot. Reclassification based on statistical prior probability.

Labcorp Genetics (formerly Invitae), Labcorp
Classification: Uncertain significance for Hereditary breast ovarian cancer syndrome. Last evaluated: 2020-06-02. Review status: criteria provided, single submitter. Criteria: Invitae Variant Classification Sherloc (09022015). Collection method: clinical testing. Allele origin: germline.
Comment: This sequence change replaces asparagine with lysine at codon 576 of the BRCA2 protein (p.Asn576Lys). The asparagine residue is moderately conserved and there is a moderate physicochemical difference between asparagine and lysine. This variant is not present in population databases (ExAC no frequency). This variant has not been reported in the literature in individuals with BRCA2-related conditions. Algorithms developed to predict the effect of missense changes on protein structure and function (SIFT, PolyPhen-2, Align-GVGD) all suggest that this variant is likely to be tolerated, but these predictions have not been confirmed by published functional studies and their clinical significance is uncertain. In summary, the available evidence is currently insufficient to determine the role of this variant in disease. Therefore, it has been classified as a Variant of Uncertain Significance.

NM_000059.4(BRCA2):c.1728T>G (p.Asn576Lys)

Gene: BRCA2 (BRCA2 DNA repair associated; plus strand). Cytogenetic location: 13q13.1.
Variant type: single nucleotide variant.
Coding change: c.1728T>G on transcript NM_000059.4 (MANE Select); coding-DNA position 1728, T replaced by G.
Protein change: p.Asn576Lys; replaces asparagine 576 with lysine.
Molecular consequence: missense variant.
Genome position (GRCh38, 1-based): chr13:32,333,206, T>G. VCF-style: chr13-32333206-T-G. GRCh37 (hg19) VCF-style: chr13-32907343-T-G.
Other names: c.1728T>G (NM_000059.3); short protein forms N576K.
Identifiers: ClinVar variation 1064196 (VCV001064196.11), dbSNP rs1555282035, ClinGen allele CA387765373.